The following is an entry in ClinVar:

NM_000069.3(CACNA1S):c.3715C>T (p.Arg1239Cys)

Gene: CACNA1S (calcium voltage-gated channel subunit alpha1 S; minus strand). Cytogenetic location: 1q32.1.
Variant type: single nucleotide variant.
Coding change: c.3715C>T on transcript NM_000069.3 (MANE Select); coding-DNA position 3715, C replaced by T.
Protein change: p.Arg1239Cys; replaces arginine 1239 with cysteine.
Molecular consequence: missense variant.
Genome position (GRCh38, 1-based): chr1:201,053,539, G>A on the plus strand (C>T on the coding strand, the complement: CACNA1S is on the minus strand). VCF-style: chr1-201053539-G-A. GRCh37 (hg19) VCF-style: chr1-201022667-G-A.
Other names: short protein forms R1239C.
Identifiers: ClinVar variation 2166438 (VCV002166438.5), dbSNP rs28930069, ClinGen allele CA344154758.

ClinVar aggregate classification (germline): Conflicting classifications of pathogenicity. Review status: criteria provided, conflicting classifications (1 of 4 stars). 2 submissions from 2 submitters: Likely pathogenic (1); Uncertain significance (1). Last evaluated 2023-08-15.

Conditions:
Malignant hyperthermia, susceptibility to, 5 (MHS5). Also called: CACNA1S-Related Malignant Hyperthermia Susceptibility. Identifiers: Orphanet 423, MedGen C1866077, MONDO:0011163, OMIM 601887.
Hypokalemic periodic paralysis, type 1. Also called: HypoPP; Hypokalemic Periodic Paralysis Type 1 (AD). Identifiers: Orphanet 681, MedGen C3714580, MONDO:0042979, OMIM 170400.

Allele frequency attached by ClinVar (database versions not stated): gnomAD exomes below 0.00001.
gnomAD v4.1: 1 of 1,614,114 alleles (0.000062%); highest among the groups gnomAD compares: African/African-American, 0.0013%; no homozygotes.

Submissions (2):

All of Us Research Program, National Institutes of Health
Classification: Uncertain significance for Malignant hyperthermia, susceptibility to, 5. Last evaluated: 2023-08-15. Review status: criteria provided, single submitter. Criteria: ACMG Guidelines, 2015. Collection method: clinical testing. Allele origin: germline. Inheritance: Autosomal dominant inheritance. Observed: 1 variant allele, 1 heterozygote.
Comment: This missense variant replaces arginine with cysteine at codon 1239 of the CACNA1S protein. Computational prediction suggests that this variant may have deleterious impact on protein structure and function (internally defined REVEL score threshold >= 0.7, PMID: 27666373). To our knowledge, functional studies have not been reported for this variant. This variant has not been reported in individuals affected with autosomal dominant malignant hyperthermia in the literature, although it is associated with other phenotype(s) (ClinVar Variation ID: 2166438). This variant has not been identified in the general population by the Genome Aggregation Database (gnomAD). Due to insufficient evidence, this variant is classified as a Variant of Uncertain Significance for autosomal dominant malignant hyperthermia.

This study involves interpretation of variants in research participants for the purpose of population health screening. Participant phenotype was not available at the time of variant classification. Additional details can be found in publication PMID: 35346344, PMCID: PMC8962531

Labcorp Genetics (formerly Invitae), Labcorp
Classification: Likely pathogenic for Hypokalemic periodic paralysis, type 1; Malignant hyperthermia, susceptibility to, 5. Last evaluated: 2022-07-27. Review status: criteria provided, single submitter. Criteria: Invitae Variant Classification Sherloc (09022015). Collection method: clinical testing. Allele origin: germline.
Comment: This variant is not present in population databases (gnomAD no frequency). This sequence change replaces arginine, which is basic and polar, with cysteine, which is neutral and slightly polar, at codon 1239 of the CACNA1S protein (p.Arg1239Cys). This variant has not been reported in the literature in individuals affected with CACNA1S-related conditions. Advanced modeling of protein sequence and biophysical properties (such as structural, functional, and spatial information, amino acid conservation, physicochemical variation, residue mobility, and thermodynamic stability) performed at Invitae indicates that this missense variant is expected to disrupt CACNA1S protein function. This variant disrupts the p.Arg1239 amino acid residue in CACNA1S. Other variant(s) that disrupt this residue have been determined to be pathogenic (PMID: 7847370, 8004673, 15716625, 17418573, 18162704, 18229654, 19225109). This suggests that this residue is clinically significant, and that variants that disrupt this residue are likely to be disease-causing. In summary, the currently available evidence indicates that the variant is pathogenic, but additional data are needed to prove that conclusively. Therefore, this variant has been classified as Likely Pathogenic.

Literature cited by the submitters: PubMed 7847370 (cited by Labcorp Genetics (formerly Invitae), Labcorp); PubMed 8004673 (cited by Labcorp Genetics (formerly Invitae), Labcorp); PubMed 15716625 (cited by Labcorp Genetics (formerly Invitae), Labcorp); PubMed 17418573 (cited by Labcorp Genetics (formerly Invitae), Labcorp); PubMed 18162704 (cited by Labcorp Genetics (formerly Invitae), Labcorp); PubMed 18229654 (cited by Labcorp Genetics (formerly Invitae), Labcorp); PubMed 19225109 (cited by Labcorp Genetics (formerly Invitae), Labcorp).